The following is an entry in ClinVar:

NM_001080508.3(TBX18):c.1438T>C (p.Cys480Arg)

Gene: TBX18 (T-box transcription factor 18; minus strand). Cytogenetic location: 6q14.3.
Variant type: single nucleotide variant.
Coding change: c.1438T>C on transcript NM_001080508.3 (MANE Select); coding-DNA position 1438, T replaced by C.
Protein change: p.Cys480Arg; replaces cysteine 480 with arginine.
Molecular consequence: missense variant.
Genome position (GRCh38, 1-based): chr6:84,737,071, A>G on the plus strand (T>C on the coding strand, the complement: TBX18 is on the minus strand). VCF-style: chr6-84737071-A-G. GRCh37 (hg19) VCF-style: chr6-85446789-A-G.
Other names: short protein forms C480R.
Identifiers: ClinVar variation 3660389 (VCV003660389.2).

ClinVar aggregate classification (germline): Uncertain significance (1 of 4 stars; one submission).

Submission:

Labcorp Genetics (formerly Invitae), Labcorp
Classification: Uncertain significance. Last evaluated: 2024-07-23. Review status: criteria provided, single submitter. Criteria: Invitae Variant Classification Sherloc (09022015). Collection method: clinical testing. Allele origin: germline.
Comment: This sequence change replaces cysteine, which is neutral and slightly polar, with arginine, which is basic and polar, at codon 480 of the TBX18 protein (p.Cys480Arg). This variant is not present in population databases (gnomAD no frequency). This variant has not been reported in the literature in individuals affected with TBX18-related conditions. Advanced modeling of protein sequence and biophysical properties (such as structural, functional, and spatial information, amino acid conservation, physicochemical variation, residue mobility, and thermodynamic stability) performed at Invitae indicates that this missense variant is not expected to disrupt TBX18 protein function with a negative predictive value of 80%. In summary, the available evidence is currently insufficient to determine the role of this variant in disease. Therefore, it has been classified as a Variant of Uncertain Significance.